The following is an entry in ClinVar:

NM_001330360.2(POLA1):c.4159C>G (p.Pro1387Ala)

Gene: POLA1 (DNA polymerase alpha 1, catalytic subunit; plus strand). Cytogenetic location: Xp22.11.
Variant type: single nucleotide variant.
Coding change: c.4159C>G on transcript NM_001330360.2 (MANE Select); coding-DNA position 4159, C replaced by G.
Protein change: p.Pro1387Ala; replaces proline 1387 with alanine.
Molecular consequence: missense variant. On other transcripts: non-coding transcript variant (2).
Genome position (GRCh38, 1-based): chrX:24,888,117, C>G. VCF-style: chrX-24888117-C-G. GRCh37 (hg19) VCF-style: chrX-24906234-C-G.
Other names: c.4084C>G, p.Pro1362Ala (NM_001378303.1); c.4141C>G, p.Pro1381Ala (NM_016937.4); short protein forms P1362A, P1381A, P1387A.
Identifiers: ClinVar variation 2577649 (VCV002577649.4), dbSNP rs2047088962, ClinGen allele CA412609568.

ClinVar aggregate classification (germline): Uncertain significance. Review status: criteria provided, multiple submitters, no conflicts (2 of 4 stars). 3 submissions from 3 submitters: Uncertain significance (3). Last evaluated 2025-06-24.

Conditions:
Inborn genetic diseases. Identifiers: MedGen C0950123, MeSH D030342.

gnomAD v4.1: 1 of 1,127,061 alleles (0.000089%); highest among the groups gnomAD compares: Admixed American, 0.0022%; no homozygotes.

Submissions (3):

Ambry Genetics
Classification: Uncertain significance for Inborn genetic diseases. Last evaluated: 2025-06-24. Review status: criteria provided, single submitter. Criteria: Ambry Variant Classification Scheme 2023. Collection method: clinical testing. Allele origin: germline.

Labcorp Genetics (formerly Invitae), Labcorp
Classification: Uncertain significance. Last evaluated: 2024-12-07. Review status: criteria provided, single submitter. Criteria: Invitae Variant Classification Sherloc (09022015). Collection method: clinical testing. Allele origin: germline.
Comment: This sequence change replaces proline, which is neutral and non-polar, with alanine, which is neutral and non-polar, at codon 1381 of the POLA1 protein (p.Pro1381Ala). This variant is not present in population databases (gnomAD no frequency). This variant has not been reported in the literature in individuals affected with POLA1-related conditions. ClinVar contains an entry for this variant (Variation ID: 2577649). Invitae Evidence Modeling of protein sequence and biophysical properties (such as structural, functional, and spatial information, amino acid conservation, physicochemical variation, residue mobility, and thermodynamic stability) indicates that this missense variant is not expected to disrupt POLA1 protein function with a negative predictive value of 80%. In summary, the available evidence is currently insufficient to determine the role of this variant in disease. Therefore, it has been classified as a Variant of Uncertain Significance.

GeneDx
Classification: Uncertain significance. Last evaluated: 2023-08-22. Review status: criteria provided, single submitter. Criteria: GeneDx Variant Classification Process June 2021. Collection method: clinical testing. Allele origin: germline. Affected: yes.
Comment: Not observed at significant frequency in large population cohorts (gnomAD); In silico analysis supports that this missense variant does not alter protein structure/function; Has not been previously published as pathogenic or benign to our knowledge